The following is an entry in ClinVar:

NM_000350.3(ABCA4):c.4730T>C (p.Val1577Ala)

Genes: ABCA4 (ATP binding cassette subfamily A member 4; minus strand), LOC126805793 (CDK7 strongly-dependent group 2 enhancer GRCh37_chr1:94486302-94487501; plus strand). Cytogenetic location: 1p22.1.
Variant type: single nucleotide variant.
Coding change: c.4730T>C on transcript NM_000350.3 (MANE Select); coding-DNA position 4730, T replaced by C.
Protein change: p.Val1577Ala; replaces valine 1577 with alanine.
Molecular consequence: missense variant.
Genome position (GRCh38, 1-based): chr1:94,021,889, A>G on the plus strand (T>C on the coding strand, the complement: ABCA4 is on the minus strand). VCF-style: chr1-94021889-A-G. GRCh37 (hg19) VCF-style: chr1-94487445-A-G.
Other names: c.4508T>C, p.Val1503Ala (NM_001425324.1); short protein forms V1577A, V1503A.
Identifiers: ClinVar variation 502045 (VCV000502045.13), dbSNP rs771574413, ClinGen allele CA957496.

ClinVar aggregate classification (germline): Uncertain significance. Review status: criteria provided, multiple submitters, no conflicts (2 of 4 stars). 4 submissions from 4 submitters: Uncertain significance (4). Last evaluated 2023-08-14.

Conditions:
Inborn genetic diseases. Identifiers: MedGen C0950123, MeSH D030342.

Allele frequency attached by ClinVar (database versions not stated): ExAC 0.00001; gnomAD 0.00001; gnomAD exomes 0.00001; TOPMed 0.00001.
gnomAD v4.1: 20 of 1,614,034 alleles (0.0012%); highest among the groups gnomAD compares: Non-Finnish European, 0.0017%; no homozygotes.

Submissions (4):

Blueprint Genetics
Classification: Uncertain significance. Last evaluated: 2023-08-14. Review status: criteria provided, single submitter. Criteria: ACMG Guidelines, 2015. Collection method: clinical testing. Allele origin: germline.

Ambry Genetics
Classification: Uncertain significance for Inborn genetic diseases. Last evaluated: 2022-08-08. Review status: criteria provided, single submitter. Criteria: Ambry Variant Classification Scheme 2023. Collection method: clinical testing. Allele origin: germline.

Labcorp Genetics (formerly Invitae), Labcorp
Classification: Uncertain significance. Last evaluated: 2021-08-26. Review status: criteria provided, single submitter. Criteria: Invitae Variant Classification Sherloc (09022015). Collection method: clinical testing. Allele origin: germline.
Comment: This sequence change replaces valine with alanine at codon 1577 of the ABCA4 protein (p.Val1577Ala). The valine residue is highly conserved and there is a small physicochemical difference between valine and alanine. This variant is present in population databases (rs771574413, ExAC 0.001%). This variant has not been reported in the literature in individuals affected with ABCA4-related conditions. ClinVar contains an entry for this variant (Variation ID: 502045). Algorithms developed to predict the effect of missense changes on protein structure and function output the following: SIFT: "Deleterious"; PolyPhen-2: "Benign"; Align-GVGD: "Class C55". The alanine amino acid residue is found in multiple mammalian species, which suggests that this missense change does not adversely affect protein function. In summary, the available evidence is currently insufficient to determine the role of this variant in disease. Therefore, it has been classified as a Variant of Uncertain Significance.

Eurofins Ntd Llc (ga)
Classification: Uncertain significance. Last evaluated: 2017-05-18. Review status: criteria provided, single submitter. Criteria: EGL Classification Definitions 2015. Collection method: clinical testing. Allele origin: germline. Observed: 1 variant allele, 1 heterozygote.